The following is an entry in ClinVar:

ClinVar aggregate classification (germline): Benign/Likely benign. Review status: criteria provided, multiple submitters, no conflicts (2 of 4 stars). 4 submissions from 4 submitters: Benign (2); Likely benign (2). Last evaluated 2026-02-01.

Allele frequency attached by ClinVar (database versions not stated): 1000 Genomes Project 0.00060; 1000 Genomes Project 30x 0.00078; TOPMed 0.00134; gnomAD 0.00154 and 0.00163; gnomAD exomes 0.00200 and 0.00166; ExAC 0.00205; ESP Exome Variant Server 0.00169.
gnomAD v4.1: 3,160 of 1,613,326 alleles (0.2%); highest among the groups gnomAD compares: Non-Finnish European, 0.23%; 8 homozygotes.

Submissions (4):

Labcorp Genetics (formerly Invitae), Labcorp
Classification: Benign. Last evaluated: 2026-02-01. Review status: criteria provided, single submitter. Criteria: Invitae Variant Classification Sherloc (09022015). Collection method: clinical testing. Allele origin: germline.

CeGaT Center for Human Genetics Tuebingen
Classification: Likely benign. Last evaluated: 2024-12-01. Review status: criteria provided, single submitter. Criteria: CeGaT Center For Human Genetics Tuebingen Variant Classification Criteria Version 2. Collection method: clinical testing. Allele origin: germline. Affected: yes. Observed: 2 variant alleles.
Comment: TONSL: BP4

Blueprint Genetics
Classification: Likely benign. Last evaluated: 2024-09-05. Review status: criteria provided, single submitter. Criteria: ACMG Guidelines, 2015. Collection method: clinical testing. Allele origin: germline.

Breakthrough Genomics
Classification: Benign. Review status: criteria provided, single submitter. Criteria: ACMG Guidelines, 2015. Collection method: not provided. Allele origin: germline. Inheritance: Autosomal recessive inheritance. Affected: yes.

NM_013432.5(TONSL):c.3514A>G (p.Ser1172Gly)

Gene: TONSL (tonsoku like, DNA repair protein; minus strand). Cytogenetic location: 8q24.3.
Variant type: single nucleotide variant.
Coding change: c.3514A>G on transcript NM_013432.5 (MANE Select); coding-DNA position 3514, A replaced by G.
Protein change: p.Ser1172Gly; replaces serine 1172 with glycine.
Molecular consequence: missense variant.
Genome position (GRCh38, 1-based): chr8:144,433,633, T>C on the plus strand (A>G on the coding strand, the complement: TONSL is on the minus strand). VCF-style: chr8-144433633-T-C. GRCh37 (hg19) VCF-style: chr8-145659016-T-C.
Other names: short protein forms S1172G.
Identifiers: ClinVar variation 1167579 (VCV001167579.33), dbSNP rs147517862, ClinGen allele CA4942491.